The following is an entry in ClinVar:

ClinVar aggregate classification (germline): Uncertain significance. Review status: criteria provided, multiple submitters, no conflicts (2 of 4 stars). 3 submissions from 3 submitters: Uncertain significance (3). Last evaluated 2026-02-01.

Allele frequency attached by ClinVar (database versions not stated): ESP Exome Variant Server 0.00008; ExAC 0.00012; gnomAD exomes 0.00014 and 0.00052; gnomAD 0.00018 and 0.00019; 1000 Genomes Project 0.00020; TOPMed 0.00023; 1000 Genomes Project 30x 0.00031.

Submissions (3):

Labcorp Genetics (formerly Invitae), Labcorp
Classification: Uncertain significance. Last evaluated: 2026-02-01. Review status: criteria provided, single submitter. Criteria: Invitae Variant Classification Sherloc (09022015). Collection method: clinical testing. Allele origin: germline.
Comment: This sequence change replaces threonine, which is neutral and polar, with serine, which is neutral and polar, at codon 602 of the ITGAM protein (p.Thr602Ser). This variant is present in population databases (rs182047905, gnomAD 0.03%). This variant has not been reported in the literature in individuals affected with ITGAM-related conditions. ClinVar contains an entry for this variant (Variation ID: 1004612). An algorithm developed to predict the effect of missense changes on protein structure and function outputs the following: PolyPhen-2: "Benign". The serine amino acid residue is found in multiple mammalian species, which suggests that this missense change does not adversely affect protein function. In summary, the available evidence is currently insufficient to determine the role of this variant in disease. Therefore, it has been classified as a Variant of Uncertain Significance.

Ambry Genetics
Classification: Uncertain significance. Last evaluated: 2024-10-17. Review status: criteria provided, single submitter. Criteria: Ambry Variant Classification Scheme 2023. Collection method: clinical testing. Allele origin: germline.

Breakthrough Genomics
Classification: Uncertain significance. Review status: criteria provided, single submitter. Criteria: ACMG Guidelines, 2015. Collection method: not provided. Allele origin: germline. Inheritance: Unknown mechanism. Affected: yes.

NM_000632.4(ITGAM):c.1804A>T (p.Thr602Ser)

Gene: ITGAM (integrin subunit alpha M; plus strand). Cytogenetic location: 16p11.2.
Variant type: single nucleotide variant.
Coding change: c.1804A>T on transcript NM_000632.4 (MANE Select); coding-DNA position 1804, A replaced by T.
Protein change: p.Thr602Ser; replaces threonine 602 with serine.
Molecular consequence: missense variant.
Genome position (GRCh38, 1-based): chr16:31,321,337, A>T. VCF-style: chr16-31321337-A-T. GRCh37 (hg19) VCF-style: chr16-31332658-A-T.
Other names: c.1807A>T, p.Thr603Ser (NM_001145808.2); c.1804A>T (NM_000632.3); short protein forms T602S, T603S.
Identifiers: ClinVar variation 1004612 (VCV001004612.9), dbSNP rs182047905, ClinGen allele CA8025663.